The following is an entry in ClinVar:

ClinVar aggregate classification (germline): Pathogenic (1 of 4 stars; one submission).

Submission:

Labcorp Genetics (formerly Invitae), Labcorp
Classification: Pathogenic. Last evaluated: 2023-02-05. Review status: criteria provided, single submitter. Criteria: Invitae Variant Classification Sherloc (09022015). Collection method: clinical testing. Allele origin: germline.
Comment: This sequence change creates a premature translational stop signal (p.Ser1979Leufs*3) in the FRAS1 gene. It is expected to result in an absent or disrupted protein product. Loss-of-function variants in FRAS1 are known to be pathogenic (PMID: 12766769, 18671281). This variant is not present in population databases (gnomAD no frequency). This variant has not been reported in the literature in individuals affected with FRAS1-related conditions. For these reasons, this variant has been classified as Pathogenic.

Literature cited by the submitters: PubMed 12766769; PubMed 18671281.

NM_025074.7(FRAS1):c.5935del (p.Ser1979fs)

Gene: FRAS1 (Fraser extracellular matrix complex subunit 1; plus strand). Cytogenetic location: 4q21.21.
Variant type: Deletion.
Coding change: c.5935del on transcript NM_025074.7 (MANE Select); coding-DNA position 5935, one base deleted (T; older notation c.5935delT).
Protein change: p.Ser1979fs; shifts the reading frame from serine 1979.
Molecular consequence: frameshift variant.
Genome position (GRCh38, 1-based): chr4:78,446,805, T deleted; the last of 2 consecutive T bases (chr4:78,446,804-78,446,805); deleting either gives the same sequence. VCF-style (leftmost placement, unchanged base first): chr4-78446803-AT-A. GRCh37 (hg19) VCF-style: chr4-79367957-AT-A.
Other names: short protein forms S1979fs.
Identifiers: ClinVar variation 2834723 (VCV002834723.3), dbSNP rs2477220144, ClinGen allele CA2739270135.
Genomic context (GRCh38, chr4:78,446,803, plus strand): 5'-CTCCCAGGATGACCTTGCAGCCCCTCAGAGTGCAGCTGAGCTCGGGAGTGGTGATAAGCA[AT>A]TCTTCTTTGAGCCTGCAAGACCTGGACACCCCAGATAATGAGCTCATTTTTGTATTGACA-3'